The following is an entry in ClinVar:

ClinVar aggregate classification (germline): Uncertain significance. Review status: criteria provided, multiple submitters, no conflicts (2 of 4 stars). 4 submissions from 4 submitters: Uncertain significance (4). Last evaluated 2025-11-29.

Conditions:
Multiple symmetric lipomatosis. Also called: Launois-Bensaude syndrome; Madelung's disease; LIPODYSTROPHY, CEPHALOTHORACIC; Madelung disease; Benign symmetrical lipomatosis. Identifiers: Orphanet 2398, MedGen C0023804, MONDO:0007908, OMIM 151800.
Charcot-Marie-Tooth disease, axonal, autosomal recessive, type 2a2b;. Also called: Charcot-Marie-Tooth disease, axonal, autosomal recessive, type 2A2B; Charcot-Marie-Tooth disease, axonal, type 2A2B. Identifiers: MedGen C4310725, MONDO:0014906, OMIM 617087.
Charcot-Marie-Tooth disease type 2A2. Also called: CHARCOT-MARIE-TOOTH DISEASE, AXONAL, AUTOSOMAL DOMINANT, TYPE 2A2A; CHARCOT-MARIE-TOOTH DISEASE, NEURONAL, TYPE 2A2; HEREDITARY MOTOR AND SENSORY NEUROPATHY IIA2; HMSN IIA2; CHARCOT-MARIE-TOOTH DISEASE, AXONAL, TYPE 2A2; Charcot-Marie-Tooth Neuropathy Type 2A2. Identifiers: Orphanet 99947, MedGen C4721887, MONDO:0012231, OMIM 609260.
Neuropathy, hereditary motor and sensory, type 6A (HMSN6A). Also called: NEUROPATHY, HEREDITARY MOTOR AND SENSORY, TYPE VIA; NEUROPATHY, HEREDITARY MOTOR AND SENSORY, TYPE VIA, WITH OPTIC ATROPHY; HMSN VIA; CHARCOT-MARIE-TOOTH DISEASE, TYPE 6A. Identifiers: MedGen CN305336, MONDO:0011002, OMIM 601152.
Charcot-Marie-Tooth disease type 2. Also called: Charcot-Marie-Tooth type 2. Identifiers: Orphanet 64746, MedGen C0270914, MONDO:0018993.

Allele frequency attached by ClinVar (database versions not stated): gnomAD exomes 0.00002; ExAC 0.00003; 1000 Genomes Project 30x 0.00016; 1000 Genomes Project 0.00020.
gnomAD v4.1: 22 of 1,614,176 alleles (0.0014%); highest among the groups gnomAD compares: Admixed American, 0.013%; 1 homozygote.

Submissions (4):

Labcorp Genetics (formerly Invitae), Labcorp
Classification: Uncertain significance for Charcot-Marie-Tooth disease type 2. Last evaluated: 2025-11-29. Review status: criteria provided, single submitter. Criteria: Invitae Variant Classification Sherloc (09022015). Collection method: clinical testing. Allele origin: germline.
Comment: This sequence change replaces arginine, which is basic and polar, with cysteine, which is neutral and slightly polar, at codon 394 of the MFN2 protein (p.Arg394Cys). This variant is present in population databases (rs186448929, gnomAD 0.02%), including at least one homozygous and/or hemizygous individual. This variant has not been reported in the literature in individuals affected with MFN2-related conditions. ClinVar contains an entry for this variant (Variation ID: 942915). Invitae Evidence Modeling of protein sequence and biophysical properties (such as structural, functional, and spatial information, amino acid conservation, physicochemical variation, residue mobility, and thermodynamic stability) has been performed for this missense variant. However, the output from this modeling did not meet the statistical confidence thresholds required to predict the impact of this variant on MFN2 protein function. In summary, the available evidence is currently insufficient to determine the role of this variant in disease. Therefore, it has been classified as a Variant of Uncertain Significance.

CeGaT Center for Human Genetics Tuebingen
Classification: Uncertain significance. Last evaluated: 2020-08-01. Review status: criteria provided, single submitter. Criteria: CeGaT Center For Human Genetics Tuebingen Variant Classification Criteria Version 2. Collection method: clinical testing. Allele origin: germline. Affected: yes. Observed: 1 variant allele.

GeneDx
Classification: Uncertain significance. Last evaluated: 2020-01-20. Review status: criteria provided, single submitter. Criteria: GeneDx Variant Classification Process June 2021. Collection method: clinical testing. Allele origin: germline. Affected: yes.
Comment: In silico analysis, which includes protein predictors and evolutionary conservation, supports a deleterious effect; Has not been previously published as pathogenic or benign to our knowledge; This variant is associated with the following publications: (PMID: 22957060)

Juno Genomics, Hangzhou Juno Genomics, Inc
Classification: Uncertain significance for Multiple symmetric lipomatosis; Charcot-Marie-Tooth disease type 2A2; Charcot-Marie-Tooth disease, axonal, autosomal recessive, type 2a2b;; Neuropathy, hereditary motor and sensory, type 6A. Review status: criteria provided, single submitter. Criteria: ACMG Guidelines, 2015. Collection method: clinical testing. Allele origin: germline.
Comment: Absent from controls (or at extremely low frequency if recessive) in Genome Aggregation Database.;Missense variant in a gene that has a low rate of benign missense variation.

NM_014874.4(MFN2):c.1180C>T (p.Arg394Cys)

Gene: MFN2 (mitofusin 2; plus strand). Cytogenetic location: 1p36.22.
Variant type: single nucleotide variant.
Coding change: c.1180C>T on transcript NM_014874.4 (MANE Select); coding-DNA position 1180, C replaced by T.
Protein change: p.Arg394Cys; replaces arginine 394 with cysteine.
Molecular consequence: missense variant.
Genome position (GRCh38, 1-based): chr1:12,004,011, C>T. VCF-style: chr1-12004011-C-T. GRCh37 (hg19) VCF-style: chr1-12064068-C-T.
Other names: c.1180C>T, p.Arg394Cys (NM_001127660.2); short protein forms R394C.
Identifiers: ClinVar variation 942915 (VCV000942915.48), dbSNP rs186448929, ClinGen allele CA599043.